The following is an entry in ClinVar:

ClinVar aggregate classification (germline): Uncertain significance. Review status: criteria provided, multiple submitters, no conflicts (2 of 4 stars). 3 submissions from 3 submitters: Uncertain significance (3). Last evaluated 2026-04-27.

Conditions:
OTOA-related disorder. Also called: OTOA-related condition.

Allele frequency attached by ClinVar (database versions not stated): ExAC 0.00001; gnomAD exomes 0.00001 and 0.00002; gnomAD 0.00003 and 0.00004; TOPMed 0.00005; ESP Exome Variant Server 0.00015.
gnomAD v4.1: 18 of 1,613,662 alleles (0.0011%); highest among the groups gnomAD compares: African/African-American, 0.0094%; no homozygotes.

Submissions (3):

PreventionGenetics, part of Exact Sciences
Classification: Uncertain significance for OTOA-related condition. Last evaluated: 2026-04-27. Review status: criteria provided, single submitter. Criteria: ACMG Guidelines, 2015. Collection method: clinical testing. Allele origin: germline.
Comment: The OTOA c.661G>A variant is predicted to result in the amino acid substitution p.Asp221Asn. To our knowledge, this variant has not been reported in the literature. This variant is reported in 0.0080% of alleles in individuals of African descent in gnomAD. At this time, the clinical significance of this variant is uncertain due to the absence of conclusive functional and genetic evidence.

GeneDx
Classification: Uncertain significance. Last evaluated: 2021-06-21. Review status: criteria provided, single submitter. Criteria: GeneDx Variant Classification Process June 2021. Collection method: clinical testing. Allele origin: germline. Affected: yes.
Comment: In silico analysis supports that this missense variant does not alter protein structure/function; Has not been previously published as pathogenic or benign to our knowledge

Laboratory for Molecular Medicine, Mass General Brigham Personalized Medicine
Classification: Uncertain significance. Last evaluated: 2017-07-13. Review status: criteria provided, single submitter. Criteria: LMM Criteria. Collection method: clinical testing. Allele origin: germline. Observed: 1 variant allele.
Comment: The p.Asp221Asn variant in OTOA has not been previously reported in individuals with hearing loss, but has been identified in 7/ 276964 chromosomes by the Genom e Aggregation Database (gnomAD; dbSNP rs14269 3996). Although this variant has been seen in the general population, its freque ncy is not high enough to rule out a pathogenic role. Computational prediction t ools and conservation analyses do not provide strong support for or against an i mpact to the protein. In summary, the clinical significance of the p.Asp221Asn v ariant is uncertain.

NM_144672.4(OTOA):c.661G>A (p.Asp221Asn)

Gene: OTOA (otoancorin). Cytogenetic location: 16p12.2.
Variant type: single nucleotide variant.
Coding change: c.661G>A on transcript NM_144672.4 (MANE Select); coding-DNA position 661, G replaced by A.
Protein change: p.Asp221Asn; replaces aspartic acid 221 with asparagine.
Molecular consequence: missense variant.
Genome position (GRCh38, 1-based): chr16:21,691,609, G>A. VCF-style: chr16-21691609-G-A. GRCh37 (hg19) VCF-style: chr16-21702930-G-A.
Other names: c.424G>A, p.Asp142Asn (NM_001161683.2); short protein forms D221N, D142N.
Identifiers: ClinVar variation 504650 (VCV000504650.8), dbSNP rs142693996, ClinGen allele CA7952374.
Genomic context (GRCh38, chr16:21,691,609, plus strand): 5'-TGTTATTAGCTGATGCCTGTGTTTGTGTCATTTAGATCTGCAGTGTTCAAAGATCTCTAC[G>A]ACAAAACCTCGGCTCATTCCCAGAGAGCTCTCTATTCCTGGATGACTGGAATACTGCAGA-3'
Protein context (NP_653273.3, residues 211-231): NLSAVFKDLY[Asp221Asn]KTSAHSQRAL